The following is an entry in ClinVar:

ClinVar aggregate classification (germline): Uncertain significance. Review status: criteria provided, multiple submitters, no conflicts (2 of 4 stars). 2 submissions from 2 submitters: Uncertain significance (2). Last evaluated 2026-07-07.

Conditions:
Hereditary breast ovarian cancer syndrome. Also called: Hereditary breast and/or ovarian cancer syndrome; BRCA1- and BRCA2-Associated Hereditary Breast and Ovarian Cancer; Hereditary breast and ovarian cancer syndrome; Hereditary breast and ovarian cancer; Hereditary breast and ovarian cancer syndrome (HBOC); Breast and ovarian cancer. Identifiers: Orphanet 145, MedGen C0677776, MeSH D061325, MONDO:0003582. Disease mechanism: loss of function.
Hereditary cancer-predisposing syndrome. Also called: Neoplastic Syndromes, Hereditary; Tumor predisposition; Hereditary Cancer Syndrome; Hereditary neoplastic syndrome. Identifiers: Orphanet 140162, MedGen C0027672, MeSH D009386, MONDO:0015356.

Submissions (2):

Ambry Genetics
Classification: Uncertain significance for Hereditary cancer-predisposing syndrome. Last evaluated: 2026-07-07. Review status: criteria provided, single submitter. Criteria: Ambry Variant Classification Scheme 2023. Collection method: clinical testing. Allele origin: germline.
Comment: The p.S1720T variant (also known as c.5158T>A), located in coding exon 10 of the BRCA2 gene, results from a T to A substitution at nucleotide position 5158. The serine at codon 1720 is replaced by threonine, an amino acid with similar properties. This amino acid position is conserved. In addition, this alteration is predicted to be tolerated by in silico analysis. Based on the available evidence, the clinical significance of this variant remains unclear.

Labcorp Genetics (formerly Invitae), Labcorp
Classification: Uncertain significance for Hereditary breast ovarian cancer syndrome. Last evaluated: 2025-07-14. Review status: criteria provided, single submitter. Criteria: Invitae Variant Classification Sherloc (09022015). Collection method: clinical testing. Allele origin: germline.
Comment: This sequence change replaces serine, which is neutral and polar, with threonine, which is neutral and polar, at codon 1720 of the BRCA2 protein (p.Ser1720Thr). This variant is not present in population databases (gnomAD no frequency). This variant has not been reported in the literature in individuals affected with BRCA2-related conditions. Invitae Evidence Modeling of protein sequence and biophysical properties (such as structural, functional, and spatial information, amino acid conservation, physicochemical variation, residue mobility, and thermodynamic stability) indicates that this missense variant is not expected to disrupt BRCA2 protein function with a negative predictive value of 95%. In summary, the available evidence is currently insufficient to determine the role of this variant in disease. Therefore, it has been classified as a Variant of Uncertain Significance.

NM_000059.4(BRCA2):c.5158T>A (p.Ser1720Thr)

Gene: BRCA2 (BRCA2 DNA repair associated; plus strand). Cytogenetic location: 13q13.1.
Variant type: single nucleotide variant.
Coding change: c.5158T>A on transcript NM_000059.4 (MANE Select); coding-DNA position 5158, T replaced by A.
Protein change: p.Ser1720Thr; replaces serine 1720 with threonine.
Molecular consequence: missense variant. On other transcripts: non-coding transcript variant (1), intron variant (2).
Genome position (GRCh38, 1-based): chr13:32,339,513, T>A. VCF-style: chr13-32339513-T-A. GRCh37 (hg19) VCF-style: chr13-32913650-T-A.
Other names: c.5158T>A, p.Ser1720Thr (NM_001406719.1, NM_001406720.1, NM_001432077.1); c.1910-5045T>A (NM_001406721.1); c.425-5045T>A (NM_001406722.1); short protein forms S1720T.
Identifiers: ClinVar variation 4811060 (VCV004811060.2).
Genomic context (GRCh38, chr13:32,339,513, plus strand): 5'-GGTCAACCAGAAAGAATAAATACTGCAGATTATGTAGGAAATTATTTGTATGAAAATAAT[T>A]CAAACAGTACTATAGCTGAAAATGACAAAAATCATCTCTCCGAAAAACAAGATACTTATT-3'
Protein context (NP_000050.3, residues 1710-1730): YVGNYLYENN[Ser1720Thr]NSTIAENDKN